The following is an entry in ClinVar:

ClinVar aggregate classification (germline): Uncertain significance (1 of 4 stars; one submission).

Conditions:
Cardiovascular phenotype. Identifiers: MedGen CN230736.

gnomAD v4.1: 19 of 1,550,056 alleles (0.0012%); highest among the groups gnomAD compares: East Asian, 0.0049%; no homozygotes.

Submission:

Ambry Genetics
Classification: Uncertain significance for Cardiovascular phenotype. Last evaluated: 2025-04-10. Review status: criteria provided, single submitter. Criteria: Ambry Variant Classification Scheme 2023. Collection method: clinical testing. Allele origin: germline.
Comment: The p.R2840H variant (also known as c.8519G>A), located in coding exon 2 of the ZNF469 gene, results from a G to A substitution at nucleotide position 8519. The arginine at codon 2840 is replaced by histidine, an amino acid with highly similar properties. This amino acid position is conserved. In addition, this alteration is predicted to be tolerated by in silico analysis. Based on the available evidence, the clinical significance of this variant remains unclear.

NM_001367624.2(ZNF469):c.8603G>A (p.Arg2868His)

Gene: ZNF469 (zinc finger protein 469; plus strand). Cytogenetic location: 16q24.2.
Variant type: single nucleotide variant.
Coding change: c.8603G>A on transcript NM_001367624.2 (MANE Select); coding-DNA position 8603, G replaced by A.
Protein change: p.Arg2868His; replaces arginine 2868 with histidine.
Molecular consequence: missense variant.
Genome position (GRCh38, 1-based): chr16:88,436,073, G>A. VCF-style: chr16-88436073-G-A. GRCh37 (hg19) VCF-style: chr16-88502481-G-A.
Other names: NM_001127464.1:c.8519G>A; short protein forms R2868H.
Identifiers: ClinVar variation 3476328 (VCV003476328.2).